The following is an entry in ClinVar:

ClinVar aggregate classification (germline): Uncertain significance (1 of 4 stars; one submission).

Allele frequency attached by ClinVar (database versions not stated): gnomAD exomes below 0.00001; ExAC 0.00001; TOPMed 0.00002; gnomAD 0.00003.

Submission:

Labcorp Genetics (formerly Invitae), Labcorp
Classification: Uncertain significance. Last evaluated: 2025-12-20. Review status: criteria provided, single submitter. Criteria: Invitae Variant Classification Sherloc (09022015). Collection method: clinical testing. Allele origin: germline.
Comment: This sequence change replaces glycine, which is neutral and non-polar, with alanine, which is neutral and non-polar, at codon 241 of the PSMB4 protein (p.Gly241Ala). This variant is present in population databases (rs764773921, gnomAD 0.01%). This variant has not been reported in the literature in individuals affected with PSMB4-related conditions. ClinVar contains an entry for this variant (Variation ID: 1359281). An algorithm developed to predict the effect of missense changes on protein structure and function (PolyPhen-2) suggests that this variant is likely to be disruptive. In summary, the available evidence is currently insufficient to determine the role of this variant in disease. Therefore, it has been classified as a Variant of Uncertain Significance.

NM_002796.3(PSMB4):c.722G>C (p.Gly241Ala)

Gene: PSMB4 (proteasome 20S subunit beta 4; plus strand). Cytogenetic location: 1q21.3.
Variant type: single nucleotide variant.
Coding change: c.722G>C on transcript NM_002796.3 (MANE Select); coding-DNA position 722, G replaced by C.
Protein change: p.Gly241Ala; replaces glycine 241 with alanine.
Molecular consequence: missense variant.
Genome position (GRCh38, 1-based): chr1:151,401,570, G>C. VCF-style: chr1-151401570-G-C. GRCh37 (hg19) VCF-style: chr1-151374046-G-C.
Other names: short protein forms G241A.
Identifiers: ClinVar variation 1359281 (VCV001359281.8), dbSNP rs764773921, ClinGen allele CA1090784.